The following is an entry in ClinVar:

NM_006922.4(SCN3A):c.5006_5007del (p.Tyr1669fs)

Gene: SCN3A (sodium voltage-gated channel alpha subunit 3; minus strand). Cytogenetic location: 2q24.3.
Variant type: Deletion.
Coding change: c.5006_5007del on transcript NM_006922.4 (MANE Select); coding-DNA positions 5006 to 5007, 2 bases deleted (AT; older notation c.5006_5007delAT).
Protein change: p.Tyr1669fs; shifts the reading frame from tyrosine 1669.
Molecular consequence: frameshift variant.
Genome position (GRCh38, 1-based): chr2:165,091,146-165,091,147, AT deleted on the plus strand (AT on the coding strand, the reverse complement: SCN3A is on the minus strand); deleting any 2 consecutive bases within chr2:165,091,146-165,091,148 gives the same sequence; the c. name uses the placement nearest the transcript's 3' end. VCF-style (leftmost placement, unchanged base first): chr2-165091145-CAT-C. GRCh37 (hg19) VCF-style: chr2-165947655-CAT-C.
Other names: c.4859_4860del, p.Tyr1620fs (NM_001081676.2, NM_001081677.2); short protein forms Y1620fs, Y1669fs.
Identifiers: ClinVar variation 998414 (VCV000998414.6), dbSNP rs1685081223, ClinGen allele CA1304435915.
Genomic context (GRCh38, chr2:165,091,145, plus strand): 5'-ACATGTCATCAATTCCAGCTTCCTTTTTAACATAGGCAAAGTTGGACATCCCAAAGATGG[CAT>C]AGATAAACATGACCAGGAAGAGCAGGAGGCCGATGTTAAACAACGCAGGAAGGGACATCA-3'

ClinVar aggregate classification (germline): Uncertain significance (1 of 4 stars; one submission).

Submission:

Labcorp Genetics (formerly Invitae), Labcorp
Classification: Uncertain significance. Last evaluated: 2017-05-16. Review status: criteria provided, single submitter. Criteria: Invitae Variant Classification Sherloc (09022015). Collection method: clinical testing. Allele origin: germline.
Comment: This sequence change results in a premature translational stop signal in the SCN3A (p.Tyr1669Cysfs*12). While this is not anticipated to result in nonsense mediated decay, it is expected to disrupt the last 332 amino acids of the SCN3A protein. This variant is not present in population databases (ExAC no frequency). In summary, this variant has uncertain impact on SCN3A function. The available evidence is currently insufficient to determine its role in disease. Therefore, it has been classified as a Variant of Uncertain Significance. This variant has not been reported in the literature in individuals with a SCN3A-related disease.